The following is an entry in ClinVar:

NM_001367624.2(ZNF469):c.8860T>C (p.Trp2954Arg)

Gene: ZNF469 (zinc finger protein 469; plus strand). Cytogenetic location: 16q24.2.
Variant type: single nucleotide variant.
Coding change: c.8860T>C on transcript NM_001367624.2 (MANE Select); coding-DNA position 8860, T replaced by C.
Protein change: p.Trp2954Arg; replaces tryptophan 2954 with arginine.
Molecular consequence: missense variant.
Genome position (GRCh38, 1-based): chr16:88,436,330, T>C. VCF-style: chr16-88436330-T-C. GRCh37 (hg19) VCF-style: chr16-88502738-T-C.
Other names: NM_001127464.1:c.8776T>C; p.Trp2954Arg; NM_001127464.2:c.8776T>C; short protein forms W2954R.
Identifiers: ClinVar variation 1253844 (VCV001253844.15), dbSNP rs557063759, ClinGen allele CA8225383.

ClinVar aggregate classification (germline): Conflicting classifications of pathogenicity. Review status: criteria provided, conflicting classifications (1 of 4 stars). 6 submissions from 6 submitters: Uncertain significance (2); Benign (1); Likely benign (3). Last evaluated 2026-01-26.

Conditions:
ZNF469-related disorder. Also called: ZNF469-related condition.
Cardiovascular phenotype. Identifiers: MedGen CN230736.

Allele frequency attached by ClinVar (database versions not stated): gnomAD exomes 0.00006 and 0.00011; ExAC 0.00014; gnomAD 0.00056 and 0.00061; 1000 Genomes Project 0.00060; TOPMed 0.00063; 1000 Genomes Project 30x 0.00078.
gnomAD v4.1: 162 of 1,549,594 alleles (0.01%); highest among the groups gnomAD compares: African/African-American, 0.21%; no homozygotes.

Submissions (6):

Labcorp Genetics (formerly Invitae), Labcorp
Classification: Likely benign. Last evaluated: 2026-01-26. Review status: criteria provided, single submitter. Criteria: Invitae Variant Classification Sherloc (09022015). Collection method: clinical testing. Allele origin: germline.

PreventionGenetics, part of Exact Sciences
Classification: Likely benign for ZNF469-related condition. Last evaluated: 2025-12-04. Review status: criteria provided, single submitter. Criteria: ACMG Guidelines, 2015. Collection method: clinical testing. Allele origin: germline.
Comment: This variant is classified as likely benign based on ACMG/AMP sequence variant interpretation guidelines (Richards et al. 2015 PMID: 25741868, with internal and published modifications).

GeneDx
Classification: Uncertain significance. Last evaluated: 2025-06-04. Review status: criteria provided, single submitter. Criteria: GeneDx Variant Classification Process June 2021. Collection method: clinical testing. Allele origin: germline. Affected: yes.
Comment: Has not been previously published as pathogenic or benign to our knowledge; In silico analysis supports that this missense variant has a deleterious effect on protein structure/function

Women's Health and Genetics/Laboratory Corporation of America, LabCorp
Classification: Uncertain significance. Last evaluated: 2025-02-11. Review status: criteria provided, single submitter. Criteria: LabCorp Variant Classification Summary - May 2015. Collection method: clinical testing. Allele origin: germline.
Comment: Variant summary: ZNF469 c.8860T>C (p.Trp2954Arg) results in a non-conservative amino acid change in the encoded protein sequence. Two of four in-silico tools predict a benign effect of the variant on protein function. The variant allele was found at a frequency of 0.00011 in 149436 control chromosomes, predominantly at a frequency of 0.002 within the African or African-American subpopulation in the gnomAD database. To our knowledge, no occurrence of c.8860T>C in individuals affected with Brittle cornea syndrome 1 and no experimental evidence demonstrating its impact on protein function have been reported. ClinVar contains an entry for this variant (Variation ID: 1253844). Based on the evidence outlined above, the variant was classified as uncertain significance.

Mayo Clinic Laboratories, Mayo Clinic
Classification: Likely benign. Last evaluated: 2025-01-28. Review status: criteria provided, single submitter. Criteria: ACMG Guidelines, 2015. Collection method: clinical testing. Allele origin: germline. Observed: 1 variant allele.
Comment: BS1, BP4_moderate

Ambry Genetics
Classification: Benign for Cardiovascular phenotype. Last evaluated: 2020-11-18. Review status: criteria provided, single submitter. Criteria: Ambry Variant Classification Scheme 2023. Collection method: clinical testing. Allele origin: germline.